The following is an entry in ClinVar:

NM_001170629.2(CHD8):c.5654G>A (p.Arg1885Gln)

Gene: CHD8 (chromodomain helicase DNA binding protein 8; minus strand). Cytogenetic location: 14q11.2.
Variant type: single nucleotide variant.
Coding change: c.5654G>A on transcript NM_001170629.2 (MANE Select); coding-DNA position 5654, G replaced by A.
Protein change: p.Arg1885Gln; replaces arginine 1885 with glutamine.
Molecular consequence: missense variant.
Genome position (GRCh38, 1-based): chr14:21,394,141, C>T on the plus strand (G>A on the coding strand, the complement: CHD8 is on the minus strand). VCF-style: chr14-21394141-C-T. GRCh37 (hg19) VCF-style: chr14-21862300-C-T.
Other names: c.4817G>A, p.Arg1606Gln (NM_020920.4); short protein forms R1606Q, R1885Q.
Identifiers: ClinVar variation 1723613 (VCV001723613.2), dbSNP rs939353846, ClinGen allele CA257593826.
Genomic context (GRCh38, chr14:21,394,141, plus strand): 5'-AGGGGGTGGCATAAAACTTGTTCCCGTAAGCGCCGAAGCAATTCTATACGGTAGAGAGTC[C>T]GTGAGGCTCTCTCCTCAGTGATGGGCTCAATGAACAGGTTAGGGTCGGGGGGTTCTGCAA-3'
Protein context (NP_001164100.1, residues 1875-1895): IEPITEERAS[Arg1885Gln]TLYRIELLRR

ClinVar aggregate classification (germline): Uncertain significance (1 of 4 stars; one submission).

Allele frequency attached by ClinVar (database versions not stated): TOPMed below 0.00001; gnomAD exomes 0.00001.
gnomAD v4.1: 5 of 1,610,128 alleles (0.00031%); highest among the groups gnomAD compares: Admixed American, 0.0017%; no homozygotes.

Submission:

GeneDx
Classification: Uncertain significance. Last evaluated: 2022-12-06. Review status: criteria provided, single submitter. Criteria: GeneDx Variant Classification Process June 2021. Collection method: clinical testing. Allele origin: germline. Affected: yes.
Comment: In silico analysis supports that this missense variant has a deleterious effect on protein structure/function; Has not been previously published as pathogenic or benign to our knowledge